The following is an entry in ClinVar:

NM_198271.5(LMOD3):c.1384T>G (p.Phe462Val)

Gene: LMOD3 (leiomodin 3; minus strand). Cytogenetic location: 3p14.1.
Variant type: single nucleotide variant.
Coding change: c.1384T>G on transcript NM_198271.5 (MANE Select); coding-DNA position 1384, T replaced by G.
Protein change: p.Phe462Val; replaces phenylalanine 462 with valine.
Molecular consequence: missense variant.
Genome position (GRCh38, 1-based): chr3:69,118,971, A>C on the plus strand (T>G on the coding strand, the complement: LMOD3 is on the minus strand). VCF-style: chr3-69118971-A-C. GRCh37 (hg19) VCF-style: chr3-69168122-A-C.
Other names: c.1384T>G, p.Phe462Val (NM_001304418.3); c.1384T>G (NM_198271.3); short protein forms F462V.
Identifiers: ClinVar variation 660061 (VCV000660061.6), dbSNP rs368084636, ClinGen allele CA2488794.
Genomic context (GRCh38, chr3:69,118,971, plus strand): 5'-GGTCTGTCCTGTACTTCGGGGCCTGCGATGGCTTTTTCATCATTTCACTGCGTTGACTAA[A>C]GGGGACATTTTGGGGGTTGGGAGGCCGAGGTGGCGGTGGCTGGAAGAATTCCTGCATTCT-3'
Protein context (NP_938012.2, residues 452-472): PRPPNPQNVP[Phe462Val]SQRSEMMKKP

ClinVar aggregate classification (germline): Uncertain significance. Review status: criteria provided, multiple submitters, no conflicts (2 of 4 stars). 3 submissions from 3 submitters: Uncertain significance (3). Last evaluated 2025-04-23.

Conditions:
Nemaline myopathy 10 (NEM10). Identifiers: MedGen C4015360, MONDO:0014513, OMIM 616165.
Inborn genetic diseases. Identifiers: MedGen C0950123, MeSH D030342.

Allele frequency attached by ClinVar (database versions not stated): gnomAD exomes 0.00001 and 0.00004; ExAC 0.00004; ESP Exome Variant Server 0.00016; TOPMed 0.00017; gnomAD 0.00018 and 0.00019.
gnomAD v4.1: 43 of 1,612,962 alleles (0.0027%); highest among the groups gnomAD compares: African/African-American, 0.056%; no homozygotes.

Submissions (3):

Women's Health and Genetics/Laboratory Corporation of America, LabCorp
Classification: Uncertain significance. Last evaluated: 2025-04-23. Review status: criteria provided, single submitter. Criteria: LabCorp Variant Classification Summary - May 2015. Collection method: clinical testing. Allele origin: germline.
Comment: Variant summary: LMOD3 c.1384T>G (p.Phe462Val) results in a non-conservative amino acid change in the encoded protein sequence. Four of five in-silico tools predict a benign effect of the variant on protein function. The variant allele was found at a frequency of 3.6e-05 in 248878 control chromosomes. The available data on variant occurrences in the general population are insufficient to allow any conclusion about variant significance. To our knowledge, no occurrence of c.1384T>G in individuals affected with Nemaline Myopathy 10 and no experimental evidence demonstrating its impact on protein function have been reported. ClinVar contains an entry for this variant (Variation ID: 660061). Based on the evidence outlined above, the variant was classified as uncertain significance.

Labcorp Genetics (formerly Invitae), Labcorp
Classification: Uncertain significance for Nemaline myopathy 10. Last evaluated: 2024-08-05. Review status: criteria provided, single submitter. Criteria: Invitae Variant Classification Sherloc (09022015). Collection method: clinical testing. Allele origin: germline.
Comment: This sequence change replaces phenylalanine, which is neutral and non-polar, with valine, which is neutral and non-polar, at codon 462 of the LMOD3 protein (p.Phe462Val). This variant is present in population databases (rs368084636, gnomAD 0.07%). This variant has not been reported in the literature in individuals affected with LMOD3-related conditions. ClinVar contains an entry for this variant (Variation ID: 660061). An algorithm developed to predict the effect of missense changes on protein structure and function (PolyPhen-2) suggests that this variant¬†is likely to be tolerated. In summary, the available evidence is currently insufficient to determine the role of this variant in disease. Therefore, it has been classified as a Variant of Uncertain Significance.

Ambry Genetics
Classification: Uncertain significance for Inborn genetic diseases. Last evaluated: 2023-12-11. Review status: criteria provided, single submitter. Criteria: Ambry Variant Classification Scheme 2023. Collection method: clinical testing. Allele origin: germline.